The following is an entry in ClinVar:

ClinVar aggregate classification (germline): Pathogenic (1 of 4 stars; one submission).

Conditions:
Hereditary cancer-predisposing syndrome. Also called: Hereditary Cancer Syndrome; Hereditary neoplastic syndrome; Neoplastic Syndromes, Hereditary; Tumor predisposition. Identifiers: Orphanet 140162, MedGen C0027672, MeSH D009386, MONDO:0015356.

Submission:

Ambry Genetics
Classification: Pathogenic for Hereditary cancer-predisposing syndrome. Last evaluated: 2020-11-13. Review status: criteria provided, single submitter. Criteria: Ambry Variant Classification Scheme 2023. Collection method: clinical testing. Allele origin: germline.
Comment: The p.W457* pathogenic mutation (also known as c.1370G>A), located in coding exon 15 of the CDC73 gene, results from a G to A substitution at nucleotide position 1370. This changes the amino acid from a tryptophan to a stop codon within coding exon 15. This alteration is expected to result in loss of function by premature protein truncation or nonsense-mediated mRNA decay. As such, this alteration is interpreted as a disease-causing mutation.

NM_024529.5(CDC73):c.1370G>A (p.Trp457Ter)

Gene: CDC73 (cell division cycle 73; plus strand). Cytogenetic location: 1q31.2.
Variant type: single nucleotide variant.
Coding change: c.1370G>A on transcript NM_024529.5 (MANE Select); coding-DNA position 1370, G replaced by A.
Protein change: p.Trp457Ter; replaces tryptophan 457 with a stop codon.
Molecular consequence: nonsense.
Genome position (GRCh38, 1-based): chr1:193,236,309, G>A. VCF-style: chr1-193236309-G-A. GRCh37 (hg19) VCF-style: chr1-193205439-G-A.
Other names: short protein forms W457*.
Identifiers: ClinVar variation 1771035 (VCV001771035.2), dbSNP rs2527500780, ClinGen allele CA344078209.
Genomic context (GRCh38, chr1:193,236,309, plus strand): 5'-CTTGTAGGGACCGCGTTGTAGCCGTTTTTGTGCAGGGTCCTGCATGGCAGTTCAAAGGTT[G>A]GCCATGGCTTTTGCCTGATGGATCACCAGTTGATATATTTGCTAAAAGTAAGATTCTCTT-3'